The following is an entry in ClinVar:

NM_001271893.4(TWIST2):c.223G>C (p.Glu75Gln)

Gene: TWIST2 (twist family bHLH transcription factor 2; plus strand). Cytogenetic location: 2q37.3.
Variant type: single nucleotide variant.
Coding change: c.223G>C on transcript NM_001271893.4 (MANE Select); coding-DNA position 223, G replaced by C.
Protein change: p.Glu75Gln; replaces glutamic acid 75 with glutamine.
Molecular consequence: missense variant.
Genome position (GRCh38, 1-based): chr2:238,848,438, G>C. VCF-style: chr2-238848438-G-C. GRCh37 (hg19) VCF-style: chr2-239757079-G-C.
Other names: c.223G>C, p.Glu75Gln (NM_057179.3); short protein forms E75Q.
Identifiers: ClinVar variation 208078 (VCV000208078.4), dbSNP rs1553565140, ClinGen allele CA204363.

ClinVar aggregate classification (germline): Pathogenic. Review status: criteria provided, multiple submitters, no conflicts (2 of 4 stars). 3 submissions from 3 submitters: Pathogenic (2). 1 of the submissions does not count toward it. Last evaluated 2025-04-17.

Conditions:
Barber-Say syndrome (BBRSAY). Also called: HYPERTRICHOSIS, ATROPHIC SKIN, ECTROPION, AND MACROSTOMIA. Identifiers: Orphanet 1231, MedGen C1319466, MONDO:0008853, OMIM 209885.

Submissions (3):

3billion
Classification: Pathogenic for Barber-Say syndrome. Last evaluated: 2025-04-17. Review status: criteria provided, single submitter. Criteria: ACMG Guidelines, 2015. Collection method: clinical testing. Allele origin: germline. Affected: yes.
Comment: The variant is not observed in the gnomAD v4.1.0 dataset. Predicted Consequence/Location: Missense variant In silico tool predictions suggest damaging effect of the variant on gene or gene product [REVEL: 0.96 (>=0.6, sensitivity 0.68 and specificity 0.92); 3Cnet: 0.96 (> 0.75, sensitivity 0.96 and precision 0.92)]. The same nucleotide change resulting in the same amino acid change has been previously reported as pathogenic/likely pathogenic with strong evidence (ClinVar ID: VCV000208078 / PMID: 26119818). The variant has been observed in multiple (>3) similarly affected unrelated individuals (PMID: 26119818, 27092433, 28680619). Different missense changes at the same codon (p.Glu75Ala, p.Glu75Lys) have been reported as pathogenic/likely pathogenic with strong evidence (ClinVar ID: VCV000208076, VCV000208077 / PMID: 26119818). Therefore, this variant is classified as Pathogenic according to the recommendation of ACMG/AMP guideline.

Baylor Genetics
Classification: Pathogenic for Barber-Say syndrome. Last evaluated: 2018-08-06. Review status: criteria provided, single submitter. Criteria: ACMG Guidelines, 2015. Collection method: clinical testing. Allele origin: de novo. Affected: yes.
Comment: This variant was determined to be pathogenic according to ACMG Guidelines, 2015 [PMID:25741868]. The c.223G>C (p.E75Q) variant in the TWIST2 gene is the recurrent pathogenic variant causing Barber-Say syndrome [PMID 26119818, 27092433, 28680619].

OMIM
Classification: Pathogenic for BARBER-SAY SYNDROME. Last evaluated: 2015-07-02. Review status: no assertion criteria provided. Collection method: literature only. Allele origin: germline. Not counted in ClinVar's aggregate classification.

Literature cited by the submitters: PubMed 27092433 (cited by 3billion and Baylor Genetics); PubMed 26119818 (cited by 3 submitters); PubMed 28680619 (cited by 3billion and Baylor Genetics); PubMed 1867254 (cited by OMIM); PubMed 8368246 (cited by OMIM); PubMed 16650233 (cited by OMIM); PubMed 20830793 (cited by OMIM); PubMed 20799330 (cited by OMIM).